The following is an entry in ClinVar:

ClinVar aggregate classification (germline): Likely benign (1 of 4 stars; one submission).

Conditions:
Noonan syndrome 6 (NS6). Also called: NRAS-Related Noonan Syndrome. Identifiers: Orphanet 648, MedGen C2750732, MONDO:0013186, OMIM 613224.

Allele frequency attached by ClinVar (database versions not stated): 1000 Genomes Project 0.00060; 1000 Genomes Project 30x 0.00078; gnomAD 0.00130 and 0.00142; TOPMed 0.00131.

Submission:

Illumina Laboratory Services, Illumina
Classification: Likely benign for Noonan syndrome 6. Last evaluated: 2018-01-13. Review status: criteria provided, single submitter. Criteria: ICSL Variant Classification Criteria 13 December 2019. Collection method: clinical testing. Allele origin: germline.
Comment: This variant was observed in the ICSL laboratory as part of a predisposition screen in an ostensibly healthy population. It had not been previously curated by ICSL or reported in the Human Gene Mutation Database (HGMD: prior to June 1st, 2018), and was therefore a candidate for classification through an automated scoring system. Utilizing variant allele frequency, disease prevalence and penetrance estimates, and inheritance mode, an automated score was calculated to assess if this variant is too frequent to cause the disease. Based on the score and internal cut-off values, a variant classified as likely benign is not then subjected to further curation. The score for this variant resulted in a classification of likely benign for this disease.

NM_002524.5(NRAS):c.*2517A>G

Gene: NRAS (NRAS proto-oncogene, GTPase; minus strand). Cytogenetic location: 1p13.2.
Variant type: single nucleotide variant.
Coding change: c.*2517A>G on transcript NM_002524.5 (MANE Select); 2517 bases downstream of the stop codon, A replaced by G.
Molecular consequence: 3 prime UTR variant.
Genome position (GRCh38, 1-based): chr1:114,705,577, T>C on the plus strand (A>G on the coding strand, the complement: NRAS is on the minus strand). VCF-style: chr1-114705577-T-C. GRCh37 (hg19) VCF-style: chr1-115248198-T-C.
Identifiers: ClinVar variation 876186 (VCV000876186.4), dbSNP rs554048037, ClinGen allele CA29039887.